The following is an entry in ClinVar:

NM_015073.3(SIPA1L3):c.163GCCACC[6] (p.55AT[6])

Gene: SIPA1L3 (signal induced proliferation associated 1 like 3; plus strand). Cytogenetic location: 19q13.13.
Variant type: Microsatellite.
Coding change: c.163GCCACC[6] on transcript NM_015073.3 (MANE Select); six copies in a row of the 6-base unit GCCACC starting at c.163; the reference has five copies in a row; one copy, 6 bases duplicated; also written c.187_192dup.
Protein change: p.55AT[6].
Molecular consequence: inframe insertion.
Genome position (GRCh38, 1-based): chr19:38,081,752-38,081,757, GCCACC duplicated; duplicating any 6 consecutive bases within chr19:38,081,728-38,081,757 gives the same sequence; the position shown is the placement nearest the transcript's 3' end. VCF-style (leftmost placement, unchanged base first): chr19-38081727-G-GGCCACC. GRCh37 (hg19) VCF-style: chr19-38572367-G-GGCCACC.
Other names: c.187_192dup (NM_015073.2).
Identifiers: ClinVar variation 782055 (VCV000782055.24), dbSNP rs562186095, ClinGen allele CA9409036.

ClinVar aggregate classification (germline): Benign/Likely benign. Review status: criteria provided, multiple submitters, no conflicts (2 of 4 stars). 3 submissions from 3 submitters: Benign (2); Likely benign (1). Last evaluated 2026-04-01.

Submissions (3):

CeGaT Center for Human Genetics Tuebingen
Classification: Likely benign. Last evaluated: 2026-04-01. Review status: criteria provided, single submitter. Criteria: CeGaT Center For Human Genetics Tuebingen Variant Classification Criteria Version 2. Collection method: clinical testing. Allele origin: germline. Affected: yes. Observed: 3 variant alleles.
Comment: SIPA1L3: PM4, BS1, BS2

Labcorp Genetics (formerly Invitae), Labcorp
Classification: Benign. Last evaluated: 2026-01-12. Review status: criteria provided, single submitter. Criteria: Invitae Variant Classification Sherloc (09022015). Collection method: clinical testing. Allele origin: germline.

GeneDx
Classification: Benign. Last evaluated: 2019-04-11. Review status: criteria provided, single submitter. Criteria: GeneDx Variant Classification Process June 2021. Collection method: clinical testing. Allele origin: germline. Affected: yes.
Comment: This variant is associated with the following publications: (PMID: 29914532)